The following is an entry in ClinVar:

NM_001354768.3(NRL):c.365G>C (p.Gly122Ala)

Gene: NRL (neural retina leucine zipper; minus strand). Cytogenetic location: 14q11.2.
Variant type: single nucleotide variant.
Coding change: c.365G>C on transcript NM_001354768.3 (MANE Select); coding-DNA position 365, G replaced by C.
Protein change: p.Gly122Ala; replaces glycine 122 with alanine.
Molecular consequence: missense variant. On other transcripts: intron variant (1).
Genome position (GRCh38, 1-based): chr14:24,082,484, C>G on the plus strand (G>C on the coding strand, the complement: NRL is on the minus strand). VCF-style: chr14-24082484-C-G. GRCh37 (hg19) VCF-style: chr14-24551693-C-G.
Other names: c.365G>C, p.Gly122Ala (NM_001354769.1, NM_006177.5); c.66+299G>C (NM_001354770.2); short protein forms G122A.
Identifiers: ClinVar variation 1937716 (VCV001937716.5), dbSNP rs757038765, ClinGen allele CA389279387.

ClinVar aggregate classification (germline): Uncertain significance (1 of 4 stars; one submission).

Submission:

Labcorp Genetics (formerly Invitae), Labcorp
Classification: Uncertain significance. Last evaluated: 2024-02-24. Review status: criteria provided, single submitter. Criteria: Invitae Variant Classification Sherloc (09022015). Collection method: clinical testing. Allele origin: germline.
Comment: This sequence change replaces glycine, which is neutral and non-polar, with alanine, which is neutral and non-polar, at codon 122 of the NRL protein (p.Gly122Ala). This variant is not present in population databases (gnomAD no frequency). This variant has not been reported in the literature in individuals affected with NRL-related conditions. ClinVar contains an entry for this variant (Variation ID: 1937716). An algorithm developed to predict the effect of missense changes on protein structure and function (PolyPhen-2) suggests that this variant is likely to be tolerated. In summary, the available evidence is currently insufficient to determine the role of this variant in disease. Therefore, it has been classified as a Variant of Uncertain Significance.